The following is an entry in ClinVar:

NM_004563.4(PCK2):c.1234+1G>T

Genes: PCK2 (phosphoenolpyruvate carboxykinase 2, mitochondrial; plus strand), NRL (neural retina leucine zipper; minus strand). Cytogenetic location: 14q12.
Variant type: single nucleotide variant.
Coding change: c.1234+1G>T on transcript NM_004563.4 (MANE Select); the canonical splice donor site of the intron after coding-DNA position 1234, G replaced by T.
Molecular consequence: splice donor variant. On other transcripts: missense variant (1), intron variant (3).
Genome position (GRCh38, 1-based): chr14:24,100,214, G>T. VCF-style: chr14-24100214-G-T. GRCh37 (hg19) VCF-style: chr14-24569423-G-T.
Other names: c.1235G>T, p.Gly412Val (NM_001018073.3); c.-28+14508C>A (NM_001354768.3, NM_001354770.2); c.-254+14508C>A (NM_006177.5); c.832+1G>T (NM_001308054.2, NM_001291556.2); short protein forms G412V.
Identifiers: ClinVar variation 503636 (VCV000503636.16), dbSNP rs138881435, ClinGen allele CA7123391.
Genomic context (GRCh38, chr14:24,100,214, plus strand): 5'-ACCAGCCTCTTCCACCTGGTGTTACTGTGACCTCCTGGCTGGGCAAACCCTGGAAACCTG[G>T]TATGTGCGGTGGGGAAGGTGTGGCACAGCCTCCAGGCCTCAGCACCTTAATGGTGGAAAA-3'

ClinVar aggregate classification (germline): Conflicting classifications of pathogenicity. Review status: criteria provided, conflicting classifications (1 of 4 stars). 4 submissions from 4 submitters: Likely pathogenic (1); Uncertain significance (1); Likely benign (1). 1 of the submissions does not count toward it. Last evaluated 2026-01-12.

Conditions:
Phosphoenolpyruvate carboxykinase (GTP) deficiency. Identifiers: Orphanet 2880, MedGen C0268194, MONDO:0017320.

Allele frequency attached by ClinVar (database versions not stated): 1000 Genomes Project 30x 0.00016; 1000 Genomes Project 0.00020; ExAC 0.00099; gnomAD exomes 0.00104; gnomAD 0.00119 and 0.00193; ESP Exome Variant Server 0.00146; TOPMed 0.00222.
gnomAD v4.1: 3,011 of 1,614,136 alleles (0.19%); highest among the groups gnomAD compares: Non-Finnish European, 0.22%; 10 homozygotes.

Submissions (20):

Labcorp Genetics (formerly Invitae), Labcorp
Classification: Likely benign. Last evaluated: 2026-01-12. Review status: criteria provided, single submitter. Criteria: Invitae Variant Classification Sherloc (09022015). Collection method: clinical testing. Allele origin: germline.

Department of Pathology and Laboratory Medicine, Sinai Health System
Classification: Likely pathogenic for phosphoenolpyruvate carboxykinase deficiency. Last evaluated: 2023-01-03. Review status: criteria provided, single submitter. Criteria: ACMG Guidelines, 2015. Collection method: research. Allele origin: germline.

GeneDx
Classification: Uncertain significance. Last evaluated: 2018-02-07. Review status: criteria provided, single submitter. Criteria: GeneDx Variant Classification (06012015). Collection method: clinical testing. Allele origin: germline. Affected: yes.
Comment: The c.1234+1G>T variant in the PCK2 gene has not been reported previously as a pathogenic variant nor as a benign variant, to our knowledge. This splice site variant destroys the canonical splice donor site in intron 7. It is predicted to cause abnormal gene splicing, either leading to an abnormal message that is subject to nonsense-mediated mRNA decay, or to an abnormal protein product if the message is used for protein translation. The c.1234+1G>T variant is observed in 278/276812 (0.1%) alleles in large population cohorts, with no homozygotes observed (Lek et al., 2016). We interpret c.1234+1G>T as a variant of uncertain significance.

Mayo Clinic Laboratories, Mayo Clinic
Classification: Uncertain significance. Last evaluated: 2017-12-28. Review status: no assertion criteria provided. Collection method: clinical testing. Allele origin: unknown. Not counted in ClinVar's aggregate classification.

Dr. Peter K. Rogan Lab, Western University
No classification provided (evidence only). Condition: Clear cell carcinoma of kidney. Review status: no classification provided. Collection method: in vitro. Allele origin: not applicable. Functional consequence: skipped exon, retained intron. Not counted in ClinVar's aggregate classification.

Dr. Peter K. Rogan Lab, Western University
No classification provided (evidence only). Condition: Clear cell carcinoma of kidney. Review status: no classification provided. Collection method: in vitro. Allele origin: not applicable. Functional consequence: skipped exon, retained intron. Not counted in ClinVar's aggregate classification.

Dr. Peter K. Rogan Lab, Western University
No classification provided (evidence only). Condition: Lung cancer. Review status: no classification provided. Collection method: in vitro. Allele origin: not applicable. Functional consequence: skipped exon, retained intron. Not counted in ClinVar's aggregate classification.

Dr. Peter K. Rogan Lab, Western University
No classification provided (evidence only). Condition: Lung cancer. Review status: no classification provided. Collection method: in vitro. Allele origin: not applicable. Functional consequence: skipped exon, retained intron. Not counted in ClinVar's aggregate classification.

Dr. Peter K. Rogan Lab, Western University
No classification provided (evidence only). Condition: Familial cancer of breast. Review status: no classification provided. Collection method: in vitro. Allele origin: not applicable. Functional consequence: skipped exon, retained intron. Not counted in ClinVar's aggregate classification.

Dr. Peter K. Rogan Lab, Western University
No classification provided (evidence only). Condition: Familial cancer of breast. Review status: no classification provided. Collection method: in vitro. Allele origin: not applicable. Functional consequence: skipped exon, retained intron. Not counted in ClinVar's aggregate classification.

Dr. Peter K. Rogan Lab, Western University
No classification provided (evidence only). Condition: Familial cancer of breast. Review status: no classification provided. Collection method: in vitro. Allele origin: not applicable. Functional consequence: skipped exon, retained intron. Not counted in ClinVar's aggregate classification.

Dr. Peter K. Rogan Lab, Western University
No classification provided (evidence only). Condition: Familial cancer of breast. Review status: no classification provided. Collection method: in vitro. Allele origin: not applicable. Functional consequence: skipped exon, retained intron. Not counted in ClinVar's aggregate classification.

Dr. Peter K. Rogan Lab, Western University
No classification provided (evidence only). Condition: Familial cancer of breast. Review status: no classification provided. Collection method: in vitro. Allele origin: not applicable. Functional consequence: skipped exon, retained intron. Not counted in ClinVar's aggregate classification.

Dr. Peter K. Rogan Lab, Western University
No classification provided (evidence only). Condition: Thyroid cancer, nonmedullary, 1. Review status: no classification provided. Collection method: in vitro. Allele origin: not applicable. Functional consequence: skipped exon, retained intron. Not counted in ClinVar's aggregate classification.

Dr. Peter K. Rogan Lab, Western University
No classification provided (evidence only). Condition: Sarcoma. Review status: no classification provided. Collection method: in vitro. Allele origin: not applicable. Functional consequence: skipped exon. Not counted in ClinVar's aggregate classification.

Dr. Peter K. Rogan Lab, Western University
No classification provided (evidence only). Condition: Sarcoma. Review status: no classification provided. Collection method: in vitro. Allele origin: not applicable. Functional consequence: skipped exon, retained intron. Not counted in ClinVar's aggregate classification.

Dr. Peter K. Rogan Lab, Western University
No classification provided (evidence only). Condition: Thymoma. Review status: no classification provided. Collection method: in vitro. Allele origin: not applicable. Functional consequence: skipped exon, retained intron. Not counted in ClinVar's aggregate classification.

Dr. Peter K. Rogan Lab, Western University
No classification provided (evidence only). Condition: Ovarian serous cystadenocarcinoma. Review status: no classification provided. Collection method: in vitro. Allele origin: not applicable. Functional consequence: retained intron. Not counted in ClinVar's aggregate classification.

Dr. Peter K. Rogan Lab, Western University
No classification provided (evidence only). Condition: Gastric cancer. Review status: no classification provided. Collection method: in vitro. Allele origin: not applicable. Functional consequence: retained intron. Not counted in ClinVar's aggregate classification.

Dr. Peter K. Rogan Lab, Western University
No classification provided (evidence only). Condition: Malignant tumor of esophagus. Review status: no classification provided. Collection method: in vitro. Allele origin: not applicable. Functional consequence: skipped exon, retained intron. Not counted in ClinVar's aggregate classification.